The following is an entry in ClinVar:

NM_207346.3(TSEN54):c.1468C>T (p.Arg490Trp)

Gene: TSEN54 (tRNA splicing endonuclease subunit 54; plus strand). Cytogenetic location: 17q25.1.
Variant type: single nucleotide variant.
Coding change: c.1468C>T on transcript NM_207346.3 (MANE Select); coding-DNA position 1468, C replaced by T.
Protein change: p.Arg490Trp; replaces arginine 490 with tryptophan.
Molecular consequence: missense variant.
Genome position (GRCh38, 1-based): chr17:75,524,299, C>T. VCF-style: chr17-75524299-C-T. GRCh37 (hg19) VCF-style: chr17-73520380-C-T.
Other names: short protein forms R490W.
Identifiers: ClinVar variation 160130 (VCV000160130.21), dbSNP rs144662042, ClinGen allele CA173719.

ClinVar aggregate classification (germline): Benign/Likely benign. Review status: criteria provided, multiple submitters, no conflicts (2 of 4 stars). 8 submissions from 8 submitters: Benign (5); Likely benign (3). Last evaluated 2026-02-04.

Conditions:
Pontoneocerebellar hypoplasia. Also called: Pontocerebellar hypoplasia; Non-syndromic pontocerebellar hypoplasia. Identifiers: Orphanet 98523, MedGen C1261175, MONDO:0020135.

Allele frequency attached by ClinVar (database versions not stated): 1000 Genomes Project 0.00419; 1000 Genomes Project 30x 0.00437; TOPMed 0.01016; gnomAD exomes 0.01231; gnomAD 0.01255 and 0.01362; ESP Exome Variant Server 0.01261; ExAC 0.01322.
gnomAD v4.1: 24,275 of 1,614,166 alleles (1.5%); highest among the groups gnomAD compares: Non-Finnish European, 1.7%; 264 homozygotes.

Submissions (8):

Labcorp Genetics (formerly Invitae), Labcorp
Classification: Benign. Last evaluated: 2026-02-04. Review status: criteria provided, single submitter. Criteria: Invitae Variant Classification Sherloc (09022015). Collection method: clinical testing. Allele origin: germline.

Blueprint Genetics
Classification: Likely benign. Last evaluated: 2024-11-27. Review status: criteria provided, single submitter. Criteria: ACMG Guidelines, 2015. Collection method: clinical testing. Allele origin: germline.

Athena Diagnostics
Classification: Benign. Last evaluated: 2018-03-02. Review status: criteria provided, single submitter. Criteria: Athena Diagnostics Criteria. Collection method: clinical testing. Allele origin: germline.

Illumina Laboratory Services, Illumina
Classification: Benign for Pontoneocerebellar hypoplasia. Last evaluated: 2018-01-13. Review status: criteria provided, single submitter. Criteria: ICSL Variant Classification Criteria 13 December 2019. Collection method: clinical testing. Allele origin: germline.
Comment: This variant was observed in the ICSL laboratory as part of a predisposition screen in an ostensibly healthy population. It had not been previously curated by ICSL or reported in the Human Gene Mutation Database (HGMD: prior to June 1st, 2018), and was therefore a candidate for classification through an automated scoring system. Utilizing variant allele frequency, disease prevalence and penetrance estimates, and inheritance mode, an automated score was calculated to assess if this variant is too frequent to cause the disease. Based on the score and internal cut-off values, a variant classified as benign is not then subjected to further curation. The score for this variant resulted in a classification of benign for this disease.

GeneDx
Classification: Benign. Last evaluated: 2016-08-30. Review status: criteria provided, single submitter. Criteria: GeneDx Variant Classification (06012015). Collection method: clinical testing. Allele origin: germline. Affected: yes.
Comment: This variant is considered likely benign or benign based on one or more of the following criteria: it is a conservative change, it occurs at a poorly conserved position in the protein, it is predicted to be benign by multiple in silico algorithms, and/or has population frequency not consistent with disease.

Genetic Services Laboratory, University of Chicago
Classification: Benign. Last evaluated: 2013-02-08. Review status: criteria provided, single submitter. Criteria: ACMG Guidelines, 2007. Collection method: clinical testing. Allele origin: germline. Inheritance: Autosomal recessive inheritance.

Breakthrough Genomics
Classification: Likely benign. Review status: criteria provided, single submitter. Criteria: ACMG Guidelines, 2015. Collection method: not provided. Allele origin: germline. Inheritance: Autosomal recessive inheritance. Affected: yes.

PreventionGenetics, part of Exact Sciences
Classification: Likely benign. Review status: criteria provided, single submitter. Criteria: ACMG Guidelines, 2015. Collection method: clinical testing. Allele origin: germline.